The following is an entry in ClinVar:

NM_001012759.3(CTU2):c.187C>G (p.Leu63Val)

Gene: CTU2 (cytosolic thiouridylase subunit 2; plus strand). Cytogenetic location: 16q24.3.
Variant type: single nucleotide variant.
Coding change: c.187C>G on transcript NM_001012759.3 (MANE Select); coding-DNA position 187, C replaced by G.
Protein change: p.Leu63Val; replaces leucine 63 with valine.
Molecular consequence: missense variant. On other transcripts: intron variant (1).
Genome position (GRCh38, 1-based): chr16:88,709,981, C>G. VCF-style: chr16-88709981-C-G. GRCh37 (hg19) VCF-style: chr16-88776389-C-G.
Other names: c.187C>G, p.Leu63Val (NM_001012762.3, NM_001318507.2); c.-39-242C>G (NM_001318513.2); short protein forms L63V.
Identifiers: ClinVar variation 2135711 (VCV002135711.4), dbSNP rs1033715743, ClinGen allele CA397056504.
Genomic context (GRCh38, chr16:88,709,981, plus strand): 5'-TCAGGTCTGTGTTGCAGGGACTGTTTCAAGGCCTTCTACGTCCACAAGTTCAGAGCCATG[C>G]TGGGCAAGAACCGGCTCATCTTTCCAGGCGAGAAGGTAGCGTCTGGGTCCTGGGGGTCTG-3'
Protein context (NP_001012777.1, residues 53-73): AFYVHKFRAM[Leu63Val]GKNRLIFPGE

ClinVar aggregate classification (germline): Uncertain significance (1 of 4 stars; one submission).

Allele frequency attached by ClinVar (database versions not stated): gnomAD 0.00001.
gnomAD v4.1: 3 of 1,613,826 alleles (0.00019%); highest among the groups gnomAD compares: Non-Finnish European, 0.00025%; no homozygotes.

Submission:

Labcorp Genetics (formerly Invitae), Labcorp
Classification: Uncertain significance. Last evaluated: 2022-05-08. Review status: criteria provided, single submitter. Criteria: Invitae Variant Classification Sherloc (09022015). Collection method: clinical testing. Allele origin: germline.
Comment: In summary, the available evidence is currently insufficient to determine the role of this variant in disease. Therefore, it has been classified as a Variant of Uncertain Significance. Algorithms developed to predict the effect of missense changes on protein structure and function are either unavailable or do not agree on the potential impact of this missense change (SIFT: "Not Available"; PolyPhen-2: "Possibly Damaging"; Align-GVGD: "Not Available"). This variant has not been reported in the literature in individuals affected with CTU2-related conditions. This variant is not present in population databases (gnomAD no frequency). This sequence change replaces leucine, which is neutral and non-polar, with valine, which is neutral and non-polar, at codon 63 of the CTU2 protein (p.Leu63Val).